The following is an entry in ClinVar:

NM_020975.6(RET):c.-160G>T

Genes: RET (ret proto-oncogene; plus strand), LOC106736614 (RET 5' regulatory region; plus strand). Cytogenetic location: 10q11.21.
Variant type: single nucleotide variant.
Coding change: c.-160G>T on transcript NM_020975.6 (MANE Select); 160 bases upstream of the start codon, G replaced by T.
Molecular consequence: 5 prime UTR variant.
Genome position (GRCh38, 1-based): chr10:43,077,099, G>T. VCF-style: chr10-43077099-G-T. GRCh37 (hg19) VCF-style: chr10-43572547-G-T.
Other names: c.-160G>T (NM_000323.2, NM_001406743.1, NM_001406744.1 and 38 more transcripts).
Identifiers: ClinVar variation 877685 (VCV000877685.30), dbSNP rs567112195, ClinGen allele CA206710313.

ClinVar aggregate classification (germline): Benign/Likely benign. Review status: criteria provided, multiple submitters, no conflicts (2 of 4 stars). 5 submissions from 2 submitters: Benign (3); Likely benign (2). Last evaluated 2023-01-01.

Conditions:
Multiple endocrine neoplasia. Identifiers: Orphanet 276161, MedGen C0027662, MONDO:0017169.
Pheochromocytoma. Also called: MAX-Related Hereditary Paraganglioma-Pheochromocytoma Syndrome. Identifiers: Orphanet 29072, MedGen C0031511, MONDO:0008233, OMIM 171300, HP:0002666.
Hirschsprung disease, susceptibility to, 1 (HSCR1). Also called: RET-Related Hirschsprung Disease. Identifiers: Orphanet 388, MedGen C3888239, MONDO:0007723, OMIM 142623.
Renal hypodysplasia/aplasia 1 (RHDA1). Also called: HEREDITARY RENAL APLASIA; RENAL APLASIA. Identifiers: Orphanet 411709, MedGen C1619700, MONDO:0024519, OMIM 191830.

Allele frequency attached by ClinVar (database versions not stated): TOPMed 0.00033; 1000 Genomes Project 30x 0.00109; 1000 Genomes Project 0.00140.
gnomAD v4.1: 506 of 1,072,410 alleles (0.047%); highest among the groups gnomAD compares: Admixed American, 0.3%; no homozygotes.

Submissions (5):

CeGaT Center for Human Genetics Tuebingen
Classification: Likely benign. Last evaluated: 2023-01-01. Review status: criteria provided, single submitter. Criteria: CeGaT Center For Human Genetics Tuebingen Variant Classification Criteria Version 2. Collection method: clinical testing. Allele origin: germline. Affected: yes. Observed: 1 variant allele.
Comment: RET: BS1

Illumina Laboratory Services, Illumina
Classification: Likely benign for Renal hypodysplasia/aplasia 1. Last evaluated: 2017-07-18. Review status: criteria provided, single submitter. Criteria: ICSL Variant Classification Criteria 13 December 2019. Collection method: clinical testing. Allele origin: germline.
Comment: This variant was observed as part of a predisposition screen in an ostensibly healthy population. A literature search was performed for the gene, cDNA change, and amino acid change (where applicable). No publications were found based on this search. Allele frequency data from public databases allowed determination this variant is unlikely to cause disease. Therefore, this variant is classified as likely benign.

Illumina Laboratory Services, Illumina
Classification: Benign for Hirschsprung disease, susceptibility to, 1. Last evaluated: 2017-07-18. Review status: criteria provided, single submitter. Criteria: ICSL Variant Classification Criteria 13 December 2019. Collection method: clinical testing. Allele origin: germline.
Comment: This variant was observed as part of a predisposition screen in an ostensibly healthy population. A literature search was performed for the gene, cDNA change, and amino acid change (where applicable). Publications were found based on this search. The evidence from the literature, in combination with allele frequency data from public databases where available, was sufficient to rule this variant out of causing disease. Therefore, this variant is classified as benign.

Illumina Laboratory Services, Illumina
Classification: Benign for Pheochromocytoma. Last evaluated: 2017-07-18. Review status: criteria provided, single submitter. Criteria: ICSL Variant Classification Criteria 13 December 2019. Collection method: clinical testing. Allele origin: germline.
Comment: This variant was observed as part of a predisposition screen in an ostensibly healthy population. A literature search was performed for the gene, cDNA change, and amino acid change (where applicable). No publications were found based on this search. Allele frequency data from public databases was too high to be consistent with this variant causing disease. Therefore, this variant is classified as benign.

Illumina Laboratory Services, Illumina
Classification: Benign for Multiple endocrine neoplasia. Last evaluated: 2017-07-18. Review status: criteria provided, single submitter. Criteria: ICSL Variant Classification Criteria 13 December 2019. Collection method: clinical testing. Allele origin: germline.
Comment: the same text as in the submission from Illumina Laboratory Services, Illumina above.

Literature cited by the submitters: PubMed 16441254 (cited by Illumina Laboratory Services, Illumina).